The following is an entry in ClinVar:

NM_017654.4(SAMD9):c.4645A>G (p.Ile1549Val)

Gene: SAMD9 (sterile alpha motif domain containing 9; minus strand). Cytogenetic location: 7q21.2.
Variant type: single nucleotide variant.
Coding change: c.4645A>G on transcript NM_017654.4 (MANE Select); coding-DNA position 4645, A replaced by G.
Protein change: p.Ile1549Val; replaces isoleucine 1549 with valine.
Molecular consequence: missense variant.
Genome position (GRCh38, 1-based): chr7:93,101,453, T>C on the plus strand (A>G on the coding strand, the complement: SAMD9 is on the minus strand). VCF-style: chr7-93101453-T-C. GRCh37 (hg19) VCF-style: chr7-92730766-T-C.
Other names: c.4645A>G, p.Ile1549Val (NM_001193307.2); c.4645A>G (NM_017654.3); short protein forms I1549V.
Identifiers: ClinVar variation 3694057 (VCV003694057.3).
Genomic context (GRCh38, chr7:93,101,453, plus strand): 5'-TCTCTATGCTTCTGCCACTTCTAAGTTGACCTAAAAAAGCGGGAGTGATGGGTATTGTGA[T>C]TTTTTCATTGATTCCATATTCTATATATAAACAATTGTTTTCAGCTCGACCTTGTAAACG-3'
Protein context (NP_060124.2, residues 1539-1559): LYIEYGINEK[Ile1549Val]TIPITPAFLG

ClinVar aggregate classification (germline): Uncertain significance. Review status: criteria provided, multiple submitters, no conflicts (2 of 4 stars). 2 submissions from 2 submitters: Uncertain significance (2). Last evaluated 2025-02-09.

Conditions:
Inborn genetic diseases. Identifiers: MedGen C0950123, MeSH D030342.

gnomAD v4.1: 3 of 1,613,644 alleles (0.00019%); highest among the groups gnomAD compares: Non-Finnish European, 0.00025%; no homozygotes.

Submissions (2):

Ambry Genetics
Classification: Uncertain significance for Inborn genetic diseases. Last evaluated: 2025-02-09. Review status: criteria provided, single submitter. Criteria: Ambry Variant Classification Scheme 2023. Collection method: clinical testing. Allele origin: germline.
Comment: The p.I1549V variant (also known as c.4645A>G), located in coding exon 1 of the SAMD9 gene, results from an A to G substitution at nucleotide position 4645. The isoleucine at codon 1549 is replaced by valine, an amino acid with highly similar properties. This amino acid position is conserved. In addition, this alteration is predicted to be tolerated by in silico analysis. Based on the available evidence, the clinical significance of this variant remains unclear.

Labcorp Genetics (formerly Invitae), Labcorp
Classification: Uncertain significance. Last evaluated: 2024-11-05. Review status: criteria provided, single submitter. Criteria: Invitae Variant Classification Sherloc (09022015). Collection method: clinical testing. Allele origin: germline.
Comment: This sequence change replaces isoleucine, which is neutral and non-polar, with valine, which is neutral and non-polar, at codon 1549 of the SAMD9 protein (p.Ile1549Val). This variant is not present in population databases (gnomAD no frequency). This variant has not been reported in the literature in individuals affected with SAMD9-related conditions. Invitae Evidence Modeling of protein sequence and biophysical properties (such as structural, functional, and spatial information, amino acid conservation, physicochemical variation, residue mobility, and thermodynamic stability) indicates that this missense variant is not expected to disrupt SAMD9 protein function with a negative predictive value of 95%. In summary, the available evidence is currently insufficient to determine the role of this variant in disease. Therefore, it has been classified as a Variant of Uncertain Significance.